The following is an entry in ClinVar:

ClinVar aggregate classification (germline): Pathogenic (1 of 4 stars; one submission).

Conditions:
Fabry disease. Also called: ALPHA-GALACTOSIDASE A DEFICIENCY; ANDERSON-FABRY DISEASE; CERAMIDE TRIHEXOSIDASE DEFICIENCY; GLA DEFICIENCY; HEREDITARY DYSTOPIC LIPIDOSIS; Angiokeratoma corporis diffusum. Identifiers: Orphanet 324, MedGen C0002986, MONDO:0010526, OMIM 301500, HP:0001071. Disease mechanism: Fabry disease is due to inactivating mutations in the X-linked GLA gene resulting in deficiency of the enzyme Alpha Galactosidase-A., loss of function.

Submission:

Genomenon, Inc
Classification: Pathogenic for Fabry disease. Last evaluated: 2026-09-08. Review status: criteria provided, single submitter. Criteria: Genomenon Sequence Variant Interpretation Standards - Updated. Collection method: curation. Allele origin: germline. Affected: yes.
Comment: GLA p.Ile91HisfsTer2 (c.270dup) is a frameshift variant that is predicted to introduce a premature termination codon and result in a truncated or absent protein product. This variant has been observed in at least one proband with clinical features consistent with Fabry disease (PMID:33301762). The variant was found to segregate with disease in at least one affected family (PMID:33301762). Functional or patient cell studies have been reported (PMID:33204599). It is absent or not present at a significant frequency in gnomAD. In conclusion, we classify GLA p.Ile91HisfsTer2 (c.270dup) as a pathogenic variant.

Literature cited by the submitters: PubMed 33301762; PubMed 33204599.

NM_000169.3(GLA):c.270dup (p.Ile91fs)

Genes: GLA (galactosidase alpha; minus strand), RPL36A-HNRNPH2 (RPL36A-HNRNPH2 readthrough; plus strand). Cytogenetic location: Xq22.1.
Variant type: Duplication.
Coding change: c.270dup on transcript NM_000169.3 (MANE Select); coding-DNA position 270, one base duplicated (C; older notation c.270dupC).
Protein change: p.Ile91fs; shifts the reading frame from isoleucine 91.
Molecular consequence: frameshift variant. On other transcripts: non-coding transcript variant (3), intron variant (2).
Genome position (GRCh38, 1-based): chrX:101,403,910, G duplicated on the plus strand (C on the coding strand, the reverse complement: GLA is on the minus strand). VCF-style (leftmost placement, unchanged base first): chrX-101403909-T-TG. GRCh37 (hg19) VCF-style: chrX-100658897-T-TG.
Other names: c.393dup, p.Ile132fs (NM_001406747.1, NM_001406749.1); c.270dup, p.Ile91fs (NM_001406748.1); c.301-8026dup (NM_001199973.2); c.178-8026dup (NM_001199974.2); short protein forms I132fs, I91fs.
Identifiers: ClinVar variation 4086937 (VCV004086937.2).